The following is an entry in ClinVar:

ClinVar aggregate classification (germline): Uncertain significance. Review status: criteria provided, multiple submitters, no conflicts (2 of 4 stars). 5 submissions from 2 submitters: Uncertain significance (5). Last evaluated 2025-03-25.

Conditions:
Cardiovascular phenotype. Identifiers: MedGen CN230736.
Muscular dystrophy-dystroglycanopathy type B5 (MDDGB5). Also called: MUSCULAR DYSTROPHY, CONGENITAL, 1C; MUSCULAR DYSTROPHY, CONGENITAL, FKRP-RELATED; MUSCULAR DYSTROPHY-DYSTROGLYCANOPATHY (CONGENITAL WITH OR WITHOUT IMPAIRED INTELLECTUAL DEVELOPMENT), TYPE B, 5. Identifiers: MedGen C1847759, MONDO:0011688, OMIM 606612.
Autosomal recessive limb-girdle muscular dystrophy type 2I. Also called: MUSCULAR DYSTROPHY, LIMB-GIRDLE, TYPE 2I; MUSCULAR DYSTROPHY-DYSTROGLYCANOPATHY, LIMB-GIRDLE, FRKP-RELATED; MUSCULAR DYSTROPHY-DYSTROGLYCANOPATHY (LIMB-GIRDLE), TYPE C, 5. Identifiers: Orphanet 34515, MedGen C1846672, MONDO:0011787, OMIM 607155.
Muscular dystrophy-dystroglycanopathy (congenital with brain and eye anomalies), type A5. Also called: WALKER-WARBURG SYNDROME OR MUSCLE-EYE-BRAIN DISEASE, FKRP-RELATED; MUSCULAR DYSTROPHY-DYSTROGLYCANOPATHY (CONGENITAL WITH BRAIN AND EYE ANOMALIES), TYPE A, 5. Identifiers: Orphanet 588, Orphanet 899, MedGen C3150413, MONDO:0013157, OMIM 613153.
Primary dilated cardiomyopathy (DCM). Also called: Dilated Cardiomyopathy. Identifiers: Orphanet 217604, MedGen C0007193, MeSH D002311, MONDO:0005021, HP:0001644. Inheritance: Various modes of inheritance.

gnomAD v4.1: 3 of 1,606,766 alleles (0.00019%); highest among the groups gnomAD compares: Non-Finnish European, 0.00025%; no homozygotes.

Submissions (5):

Ambry Genetics
Classification: Uncertain significance for Cardiovascular phenotype. Last evaluated: 2025-03-25. Review status: criteria provided, single submitter. Criteria: Ambry Variant Classification Scheme 2023. Collection method: clinical testing. Allele origin: germline.
Comment: The p.S43C variant (also known as c.128C>G), located in coding exon 1 of the FKRP gene, results from a C to G substitution at nucleotide position 128. The serine at codon 43 is replaced by cysteine, an amino acid with dissimilar properties. This amino acid position is conserved. In addition, this alteration is predicted to be tolerated by in silico analysis. Based on the available evidence, the clinical significance of this variant remains unclear.

Phosphorus, Inc.
Classification: Uncertain significance for Primary dilated cardiomyopathy. Last evaluated: 2017-08-01. Review status: criteria provided, single submitter. Criteria: ACMG Guidelines, 2015. Collection method: clinical testing. Allele origin: germline. Observed: 1 variant allele.

Phosphorus, Inc.
Classification: Uncertain significance for Autosomal recessive limb-girdle muscular dystrophy type 2I. Last evaluated: 2017-08-01. Review status: criteria provided, single submitter. Criteria: ACMG Guidelines, 2015. Collection method: clinical testing. Allele origin: germline. Observed: 1 variant allele.

Phosphorus, Inc.
Classification: Uncertain significance for Muscular dystrophy-dystroglycanopathy (congenital with brain and eye anomalies), type A5. Last evaluated: 2017-08-01. Review status: criteria provided, single submitter. Criteria: ACMG Guidelines, 2015. Collection method: clinical testing. Allele origin: germline. Observed: 1 variant allele.

Phosphorus, Inc.
Classification: Uncertain significance for Muscular dystrophy-dystroglycanopathy type B5. Last evaluated: 2017-08-01. Review status: criteria provided, single submitter. Criteria: ACMG Guidelines, 2015. Collection method: clinical testing. Allele origin: germline. Observed: 1 variant allele.

NM_024301.5(FKRP):c.128C>G (p.Ser43Cys)

Gene: FKRP (fukutin related protein; plus strand). Cytogenetic location: 19q13.32.
Variant type: single nucleotide variant.
Coding change: c.128C>G on transcript NM_024301.5 (MANE Select); coding-DNA position 128, C replaced by G.
Protein change: p.Ser43Cys; replaces serine 43 with cysteine.
Molecular consequence: missense variant.
Genome position (GRCh38, 1-based): chr19:46,755,578, C>G. VCF-style: chr19-46755578-C-G. GRCh37 (hg19) VCF-style: chr19-47258835-C-G.
Other names: c.128C>G (NM_024301.4); c.128C>G, p.Ser43Cys (NM_001039885.3); short protein forms S43C.
Identifiers: ClinVar variation 488159 (VCV000488159.2), dbSNP rs1555738085, ClinGen allele CA406494717.